The following is an entry in ClinVar:

ClinVar aggregate classification (germline): Pathogenic. Review status: criteria provided, multiple submitters, no conflicts (2 of 4 stars). 2 submissions from 2 submitters: Pathogenic (2). Last evaluated 2023-12-14.

Conditions:
Nephronophthisis. Also called: Juvenile Nephronophthisis. Identifiers: Orphanet 655, MedGen C0687120, MONDO:0019005, HP:0000090.
Senior-Loken syndrome 5 (SLSN5). Identifiers: Orphanet 3156, MedGen C1836517, MONDO:0012225, OMIM 609254.

Allele frequency attached by ClinVar (database versions not stated): ExAC 0.00001; gnomAD exomes 0.00002.
gnomAD v4.1: 19 of 1,442,252 alleles (0.0013%); highest among the groups gnomAD compares: Non-Finnish European, 0.0019%; no homozygotes.

Submissions (2):

Baylor Genetics
Classification: Pathogenic for Senior-Loken syndrome 5. Last evaluated: 2023-12-14. Review status: criteria provided, single submitter. Criteria: ACMG Guidelines, 2015. Collection method: clinical testing. Allele origin: unknown.

Labcorp Genetics (formerly Invitae), Labcorp
Classification: Pathogenic for Nephronophthisis. Last evaluated: 2023-07-21. Review status: criteria provided, single submitter. Criteria: Invitae Variant Classification Sherloc (09022015). Collection method: clinical testing. Allele origin: germline.
Comment: This sequence change creates a premature translational stop signal (p.Gln165*) in the IQCB1 gene. It is expected to result in an absent or disrupted protein product. Loss-of-function variants in IQCB1 are known to be pathogenic (PMID: 15723066, 21901789, 23559409, 28041643). This variant is present in population databases (rs781508757, gnomAD 0.002%). This premature translational stop signal has been observed in individual(s) with clinical features of IQCB1-related conditions (PMID: 28559085). For these reasons, this variant has been classified as Pathogenic.

Literature cited by the submitters: PubMed 15723066 (cited by Labcorp Genetics (formerly Invitae), Labcorp); PubMed 21901789 (cited by Labcorp Genetics (formerly Invitae), Labcorp); PubMed 23559409 (cited by Labcorp Genetics (formerly Invitae), Labcorp); PubMed 28041643 (cited by Labcorp Genetics (formerly Invitae), Labcorp); PubMed 28559085 (cited by Labcorp Genetics (formerly Invitae), Labcorp).

NM_001023570.4(IQCB1):c.493C>T (p.Gln165Ter)

Gene: IQCB1 (IQ motif containing B1; minus strand). Cytogenetic location: 3q13.33.
Variant type: single nucleotide variant.
Coding change: c.493C>T on transcript NM_001023570.4 (MANE Select); coding-DNA position 493, C replaced by T.
Protein change: p.Gln165Ter; replaces glutamine 165 with a stop codon.
Molecular consequence: nonsense. On other transcripts: non-coding transcript variant (1).
Genome position (GRCh38, 1-based): chr3:121,807,438, G>A on the plus strand (C>T on the coding strand, the complement: IQCB1 is on the minus strand). VCF-style: chr3-121807438-G-A. GRCh37 (hg19) VCF-style: chr3-121526285-G-A.
Other names: c.493C>T, p.Gln165Ter (NM_001023571.4, NM_001319107.2); short protein forms Q165*.
Identifiers: ClinVar variation 2910173 (VCV002910173.4), dbSNP rs781508757, ClinGen allele CA2567387.